The following is an entry in ClinVar:

NM_025114.4(CEP290):c.4024C>T (p.Gln1342Ter)

Gene: CEP290 (centrosomal protein 290; minus strand). Cytogenetic location: 12q21.32.
Variant type: single nucleotide variant.
Coding change: c.4024C>T on transcript NM_025114.4 (MANE Select); coding-DNA position 4024, C replaced by T.
Protein change: p.Gln1342Ter; replaces glutamine 1342 with a stop codon.
Molecular consequence: nonsense.
Genome position (GRCh38, 1-based): chr12:88,089,037, G>A on the plus strand (C>T on the coding strand, the complement: CEP290 is on the minus strand). VCF-style: chr12-88089037-G-A. GRCh37 (hg19) VCF-style: chr12-88482814-G-A.
Other names: NM_025114.4:c.4024C>T; short protein forms Q1342*.
Identifiers: ClinVar variation 4871875 (VCV004871875.1).

ClinVar aggregate classification (germline): Pathogenic (3 of 4 stars; one submission).

Conditions:
CEP290-related ciliopathy. Also called: CEP290 ciliopathy. Identifiers: MedGen CN305601, MONDO:0100451.

Submission:

ClinGen Leber Congenital Amaurosis/early Onset Retinal Dystrophy Variant Curation Expert Panel, ClinGen
Classification: Pathogenic for CEP290-related ciliopathy. Last evaluated: 2026-07-20. Review status: reviewed by expert panel. Criteria: ClinGen LCAeoRD ACMG Specifications CEP290 V1.0.0. Collection method: curation. Allele origin: germline. Inheritance: Autosomal recessive inheritance.
Comment: NM_025114.4(CEP290):c.4024C>T (p.Gln1342Ter) is a nonsense variant that introduces a premature stop codon into exon 31 of 54 and is predicted to lead to nonsense-mediated decay in a gene in which loss-of-function is an established mechanism of disease (PVS1). This variant is absent from gnomAD v4.1.1 (PM2_Supporting). At least one proband harboring this variant exhibits a phenotype including diagnosis of Leber congenital amaurosis (0.5 pts), onset before age 5 years (0.5 pts), extinguished electroretinogram responses from rods (0.5 pts) and cones (0.5 pts), central visual acuity limited to light perception (0.5 pts), white mottling in the peripheral pigmentation (0.5 pts), absence of vasculopathy / normal optic disc color, and decreased flash visual evoked potentials, with genotyping by next-generation sequencing identifying no alternative basis for retinal disease (2 pts), which together are specific for CEP290-related ciliopathy (total 5 points, PMID: 33970760, PP4). In summary, this variant meets the criteria to be classified as Pathogenic for CEP290-related ciliopathy based on the ACMG/AMP criteria applied, as specified by the ClinGen LCA/eoRD VCEP: PVS1, PM2_Supporting, and PP4. (LCA/eoRD VCEP Specifications for CEP290 Version 1.0.0)